The following is an entry in ClinVar:

ClinVar aggregate classification (germline): Pathogenic (1 of 4 stars; one submission).

Conditions:
Donnai-Barrow syndrome. Also called: DBS/FOAR SYNDROME; FACIOOCULOACOUSTICORENAL SYNDROME. Identifiers: Orphanet 2143, MedGen C1857277, MONDO:0009104, OMIM 222448.

Submission:

Myriad Genetics, Inc.
Classification: Pathogenic for Donnai-Barrow syndrome. Last evaluated: 2025-04-03. Review status: criteria provided, single submitter. Criteria: Myriad Autosomal Dominant, Autosomal Recessive and X-Linked Classification Criteria (2023). Collection method: clinical testing. Allele origin: unknown.
Comment: NM_004525.2(LRP2):c.1906C>T(Q636*) is expected to be pathogenic in the context of Donnai-Barrow syndrome. This variant is predicted to lead to an abnormal or absent protein product due to the creation of a premature termination codon in LRP2, a gene where loss-of-function variants are known to be pathogenic. Please note: this variant was assessed in the context of healthy population screening.

NM_004525.3(LRP2):c.1906C>T (p.Gln636Ter)

Gene: LRP2 (LDL receptor related protein 2; minus strand). Cytogenetic location: 2q31.1.
Variant type: single nucleotide variant.
Coding change: c.1906C>T on transcript NM_004525.3 (MANE Select); coding-DNA position 1906, C replaced by T.
Protein change: p.Gln636Ter; replaces glutamine 636 with a stop codon.
Molecular consequence: nonsense.
Genome position (GRCh38, 1-based): chr2:169,275,105, G>A on the plus strand (C>T on the coding strand, the complement: LRP2 is on the minus strand). VCF-style: chr2-169275105-G-A. GRCh37 (hg19) VCF-style: chr2-170131615-G-A.
Other names: short protein forms Q636*.
Identifiers: ClinVar variation 5014298 (VCV005014298.1).